The following is an entry in ClinVar:

NM_000286.3(PEX12):c.29C>T (p.Ala10Val)

Gene: PEX12 (peroxisomal biogenesis factor 12; minus strand). Cytogenetic location: 17q12.
Variant type: single nucleotide variant.
Coding change: c.29C>T on transcript NM_000286.3 (MANE Select); coding-DNA position 29, C replaced by T.
Protein change: p.Ala10Val; replaces alanine 10 with valine.
Molecular consequence: missense variant.
Genome position (GRCh38, 1-based): chr17:35,577,993, G>A on the plus strand (C>T on the coding strand, the complement: PEX12 is on the minus strand). VCF-style: chr17-35577993-G-A. GRCh37 (hg19) VCF-style: chr17-33905012-G-A.
Other names: short protein forms A10V.
Identifiers: ClinVar variation 1897298 (VCV001897298.2), dbSNP rs768791993, ClinGen allele CA8504999.

ClinVar aggregate classification (germline): Uncertain significance (1 of 4 stars; one submission).

Conditions:
Peroxisome biogenesis disorder 3A (Zellweger). Also called: Peroxisome biogenesis disorder 3A; PEROXISOMAL BIOGENESIS DISORDER 3A (ZELLWEGER). Identifiers: Orphanet 912, MedGen C3553929, MONDO:0013927, OMIM 614859.

Allele frequency attached by ClinVar (database versions not stated): gnomAD exomes 0.00001; ExAC 0.00002.

Submission:

Labcorp Genetics (formerly Invitae), Labcorp
Classification: Uncertain significance for Peroxisome biogenesis disorder 3A (Zellweger). Last evaluated: 2022-03-22. Review status: criteria provided, single submitter. Criteria: Invitae Variant Classification Sherloc (09022015). Collection method: clinical testing. Allele origin: germline.
Comment: This sequence change replaces alanine, which is neutral and non-polar, with valine, which is neutral and non-polar, at codon 10 of the PEX12 protein (p.Ala10Val). This variant is present in population databases (rs768791993, gnomAD 0.0009%). This variant has not been reported in the literature in individuals affected with PEX12-related conditions. Algorithms developed to predict the effect of missense changes on protein structure and function (SIFT, PolyPhen-2, Align-GVGD) all suggest that this variant is likely to be tolerated. In summary, the available evidence is currently insufficient to determine the role of this variant in disease. Therefore, it has been classified as a Variant of Uncertain Significance.